The following is an entry in ClinVar:

NM_000180.4(GUCY2D):c.2746A>G (p.Ile916Val)

Gene: GUCY2D (guanylate cyclase 2D, retinal; plus strand). Cytogenetic location: 17p13.1.
Variant type: single nucleotide variant.
Coding change: c.2746A>G on transcript NM_000180.4 (MANE Select); coding-DNA position 2746, A replaced by G.
Protein change: p.Ile916Val; replaces isoleucine 916 with valine.
Molecular consequence: missense variant.
Genome position (GRCh38, 1-based): chr17:8,015,028, A>G. VCF-style: chr17-8015028-A-G. GRCh37 (hg19) VCF-style: chr17-7918346-A-G.
Other names: short protein forms I916V.
Identifiers: ClinVar variation 2951444 (VCV002951444.3), dbSNP rs2545426406, ClinGen allele CA397954235.
Genomic context (GRCh38, chr17:8,015,028, plus strand): 5'-AGTGAGCCCATTGAGGTTGTGGACCTGCTCAACGATCTCTACACACTCTTTGATGCCATC[A>G]TTGGTTCCCACGATGTCTACAAGGTGCAGTGTGTAGGGGACAAGCCCTCCTGACCTTCAA-3'
Protein context (NP_000171.1, residues 906-926): NDLYTLFDAI[Ile916Val]GSHDVYKVET

ClinVar aggregate classification (germline): Uncertain significance (1 of 4 stars; one submission).

Conditions:
Cone-rod dystrophy 6 (CORD6). Also called: Cone dystrophy progressive; RETINAL CONE DYSTROPHY 2. Identifiers: Orphanet 1872, MedGen C1866293, MONDO:0011143, OMIM 601777.
Leber congenital amaurosis 1 (LCA1). Also called: Congenital absence of the rods and cones; Leber's congenital tapetoretinal degeneration; Leber's congenital tapetoretinal dysplasia; AMAUROSIS CONGENITA OF LEBER I; RETINAL BLINDNESS, CONGENITAL. Identifiers: Orphanet 65, MedGen C2931258, MONDO:0008764, OMIM 204000.

Allele frequency attached by ClinVar (database versions not stated): gnomAD exomes below 0.00001.
gnomAD v4.1: 1 of 1,613,874 alleles (0.000062%); highest among the groups gnomAD compares: Non-Finnish European, 0.000085%; no homozygotes.

Submission:

Labcorp Genetics (formerly Invitae), Labcorp
Classification: Uncertain significance for Leber congenital amaurosis 1; Cone-rod dystrophy 6. Last evaluated: 2023-08-30. Review status: criteria provided, single submitter. Criteria: Invitae Variant Classification Sherloc (09022015). Collection method: clinical testing. Allele origin: germline.
Comment: In summary, the available evidence is currently insufficient to determine the role of this variant in disease. Therefore, it has been classified as a Variant of Uncertain Significance. This sequence change replaces isoleucine, which is neutral and non-polar, with valine, which is neutral and non-polar, at codon 916 of the GUCY2D protein (p.Ile916Val). This variant is not present in population databases (gnomAD no frequency). This variant has not been reported in the literature in individuals affected with GUCY2D-related conditions. Advanced modeling of protein sequence and biophysical properties (such as structural, functional, and spatial information, amino acid conservation, physicochemical variation, residue mobility, and thermodynamic stability) performed at Invitae indicates that this missense variant is not expected to disrupt GUCY2D protein function.